The following is an entry in ClinVar:

NM_015135.3(NUP205):c.938G>A (p.Arg313His)

Gene: NUP205 (nucleoporin 205; plus strand). Cytogenetic location: 7q33.
Variant type: single nucleotide variant.
Coding change: c.938G>A on transcript NM_015135.3 (MANE Select); coding-DNA position 938, G replaced by A.
Protein change: p.Arg313His; replaces arginine 313 with histidine.
Molecular consequence: missense variant. On other transcripts: 5 prime UTR variant (1).
Genome position (GRCh38, 1-based): chr7:135,578,811, G>A. VCF-style: chr7-135578811-G-A. GRCh37 (hg19) VCF-style: chr7-135263559-G-A.
Other names: c.-148G>A (NM_001329434.2); short protein forms R313H.
Identifiers: ClinVar variation 3031357 (VCV003031357.3), dbSNP rs545639998, ClinGen allele CA4497975.
Genomic context (GRCh38, chr7:135,578,811, plus strand): 5'-ATATGATTCATCAACTTCCACTGTTGACAGAAAAACAGTACATTGCAACAATTCACTCTC[G>A]TCTTCAGGACTCACAGCTTTGGAAACTGCCTGGGCTCCAAGCCACTGTTAGACTTGCCTG-3'
Protein context (NP_055950.2, residues 303-323): EKQYIATIHS[Arg313His]LQDSQLWKLP

ClinVar aggregate classification (germline): Uncertain significance. Review status: criteria provided, single submitter (1 of 4 stars). 2 submissions from 2 submitters: Uncertain significance (1). 1 of the submissions does not count toward it. Last evaluated 2025-03-19.

Conditions:
NUP205-related disorder. Also called: NUP205-related condition.

Allele frequency attached by ClinVar (database versions not stated): gnomAD 0.00003; TOPMed 0.00006; ExAC 0.00007; 1000 Genomes Project 30x 0.00016; 1000 Genomes Project 0.00020.
gnomAD v4.1: 48 of 1,610,578 alleles (0.003%); highest among the groups gnomAD compares: East Asian, 0.085%; no homozygotes.

Submissions (2):

Ambry Genetics
Classification: Uncertain significance. Last evaluated: 2025-03-19. Review status: criteria provided, single submitter. Criteria: Ambry Variant Classification Scheme 2023. Collection method: clinical testing. Allele origin: germline.
Comment: Does not currently meet published gene-disease clinical validity criteria Based on insufficient or conflicting evidence, the clinical significance of this alteration remains unclear.

PreventionGenetics, part of Exact Sciences
Classification: Likely benign for NUP205-related condition. Last evaluated: 2023-09-11. Review status: no assertion criteria provided. Collection method: clinical testing. Allele origin: germline. Not counted in ClinVar's aggregate classification.
Comment: This variant is classified as likely benign based on ACMG/AMP sequence variant interpretation guidelines (Richards et al. 2015 PMID: 25741868, with internal and published modifications).

Literature cited by the submitters: PubMed 28106320 (cited by Ambry Genetics).